The following is an entry in ClinVar:

NM_001349884.2(DRAM2):c.47T>C (p.Val16Ala)

Gene: DRAM2 (DNA damage regulated autophagy modulator 2; minus strand). Cytogenetic location: 1p13.3.
Variant type: single nucleotide variant.
Coding change: c.47T>C on transcript NM_001349884.2 (MANE Select); coding-DNA position 47, T replaced by C.
Protein change: p.Val16Ala; replaces valine 16 with alanine.
Molecular consequence: missense variant. On other transcripts: 5 prime UTR variant (8), non-coding transcript variant (8).
Genome position (GRCh38, 1-based): chr1:111,131,508, A>G on the plus strand (T>C on the coding strand, the complement: DRAM2 is on the minus strand). VCF-style: chr1-111131508-A-G. GRCh37 (hg19) VCF-style: chr1-111674130-A-G.
Other names: c.47T>C, p.Val16Ala (NM_001349881.2, NM_001349882.2, NM_001349885.2 and 1 more transcripts); c.-112T>C (NM_001349886.2, NM_001349887.2, NM_001349888.2); c.-204T>C (NM_001349889.2, NM_001349890.2, NM_001349892.2 and 1 more transcripts); c.-372T>C (NM_001349891.2); short protein forms V16A.
Identifiers: ClinVar variation 1496246 (VCV001496246.7), dbSNP rs746226896, ClinGen allele CA1001963.
Genomic context (GRCh38, chr1:111,131,508, plus strand): 5'-ATATGGTGGAGTGTTACTGCAGTAATGTATGAAAATATGAAAGCAGCAGATGTCCAAATT[A>G]CAAGGGCTGAAGGAAGGAAACTGAGGCCTTGCTGAAACCACCACATTTCTAACAGGTTTT-3'
Protein context (NP_001336813.1, residues 6-26): QGLSFLPSAL[Val16Ala]IWTSAAFIFS

ClinVar aggregate classification (germline): Uncertain significance. Review status: criteria provided, multiple submitters, no conflicts (2 of 4 stars). 2 submissions from 2 submitters: Uncertain significance (2). Last evaluated 2024-05-29.

Allele frequency attached by ClinVar (database versions not stated): gnomAD exomes below 0.00001 and 0.00001; ExAC 0.00001.
gnomAD v4.1: 4 of 1,614,222 alleles (0.00025%); highest among the groups gnomAD compares: Non-Finnish European, 0.00034%; no homozygotes.

Submissions (2):

Labcorp Genetics (formerly Invitae), Labcorp
Classification: Uncertain significance. Last evaluated: 2024-05-29. Review status: criteria provided, single submitter. Criteria: Invitae Variant Classification Sherloc (09022015). Collection method: clinical testing. Allele origin: germline.
Comment: This sequence change replaces valine, which is neutral and non-polar, with alanine, which is neutral and non-polar, at codon 16 of the DRAM2 protein (p.Val16Ala). This variant is present in population databases (rs746226896, gnomAD 0.0009%). This missense change has been observed in individual(s) with clinical features of cone-rod dystrophy (PMID: 29555955). ClinVar contains an entry for this variant (Variation ID: 1496246). Advanced modeling of protein sequence and biophysical properties (such as structural, functional, and spatial information, amino acid conservation, physicochemical variation, residue mobility, and thermodynamic stability) performed at Invitae indicates that this missense variant is not expected to disrupt DRAM2 protein function with a negative predictive value of 80%. In summary, the available evidence is currently insufficient to determine the role of this variant in disease. Therefore, it has been classified as a Variant of Uncertain Significance.

Blueprint Genetics
Classification: Uncertain significance. Last evaluated: 2019-12-05. Review status: criteria provided, single submitter. Criteria: ACMG Guidelines, 2015. Collection method: clinical testing. Allele origin: germline.

Literature cited by the submitters: PubMed 29555955 (cited by Labcorp Genetics (formerly Invitae), Labcorp).